The following is an entry in ClinVar:

ClinVar aggregate classification (germline): Uncertain significance (1 of 4 stars; one submission).

Submission:

Ambry Genetics
Classification: Uncertain significance. Last evaluated: 2025-02-12. Review status: criteria provided, single submitter. Criteria: Ambry Variant Classification Scheme 2023. Collection method: clinical testing. Allele origin: germline.
Comment: The p.V212F variant (also known as c.634G>T), located in coding exon 6 of the RAD51B gene, results from a G to T substitution at nucleotide position 634. The valine at codon 212 is replaced by phenylalanine, an amino acid with highly similar properties. This amino acid position is conserved. In addition, the in silico prediction for this alteration is inconclusive. Based on the available evidence, the clinical significance of this variant remains unclear.

NM_133510.4(RAD51B):c.634G>T (p.Val212Phe)

Gene: RAD51B (RAD51 paralog B; plus strand). Cytogenetic location: 14q24.1.
Variant type: single nucleotide variant.
Coding change: c.634G>T on transcript NM_133510.4 (MANE Select); coding-DNA position 634, G replaced by T.
Protein change: p.Val212Phe; replaces valine 212 with phenylalanine.
Molecular consequence: missense variant.
Genome position (GRCh38, 1-based): chr14:67,887,082, G>T. VCF-style: chr14-67887082-G-T. GRCh37 (hg19) VCF-style: chr14-68353799-G-T.
Other names: c.634G>T, p.Val212Phe (NM_001321809.2, NM_001321810.2, NM_001321812.1 and 6 more transcripts); c.520G>T, p.Val174Phe (NM_001321815.1); c.277G>T, p.Val93Phe (NM_001321817.2); short protein forms V174F, V212F, V93F.
Identifiers: ClinVar variation 3786453 (VCV003786453.1).
Genomic context (GRCh38, chr14:67,887,082, plus strand): 5'-ATTGAATCTTTGGAAGAAGAAATTATCTCAAAAGGAATTAAACTTGTGATTCTTGACTCT[G>T]TTGCTTCTGTGGTCAGAAAGGAGTTTGATGCACAACTTCAAGGCAATCTCAAAGAAAGAA-3'
Protein context (NP_598194.1, residues 202-222): KGIKLVILDS[Val212Phe]ASVVRKEFDA